The following is an entry in ClinVar:

ClinVar aggregate classification (germline): Uncertain significance (1 of 4 stars; one submission).

Allele frequency attached by ClinVar (database versions not stated): gnomAD exomes below 0.00001.
gnomAD v4.1: 3 of 1,518,982 alleles (0.0002%); highest among the groups gnomAD compares: Admixed American, 0.0037%; no homozygotes.

Submission:

Labcorp Genetics (formerly Invitae), Labcorp
Classification: Uncertain significance. Last evaluated: 2022-02-05. Review status: criteria provided, single submitter. Criteria: Invitae Variant Classification Sherloc (09022015). Collection method: clinical testing. Allele origin: germline.
Comment: This sequence change replaces alanine, which is neutral and non-polar, with valine, which is neutral and non-polar, at codon 497 of the PCLO protein (p.Ala497Val). The frequency data for this variant in the population databases is considered unreliable, as metrics indicate poor data quality at this position in the gnomAD database. This variant has not been reported in the literature in individuals affected with PCLO-related conditions. Algorithms developed to predict the effect of missense changes on protein structure and function are either unavailable or do not agree on the potential impact of this missense change (SIFT: "Tolerated"; PolyPhen-2: "Possibly Damaging"; Align-GVGD: "Class C0"). In summary, the available evidence is currently insufficient to determine the role of this variant in disease. Therefore, it has been classified as a Variant of Uncertain Significance.

NM_033026.6(PCLO):c.1490C>T (p.Ala497Val)

Gene: PCLO (piccolo presynaptic cytomatrix protein; minus strand). Cytogenetic location: 7q21.11.
Variant type: single nucleotide variant.
Coding change: c.1490C>T on transcript NM_033026.6 (MANE Select); coding-DNA position 1490, C replaced by T.
Protein change: p.Ala497Val; replaces alanine 497 with valine.
Molecular consequence: missense variant.
Genome position (GRCh38, 1-based): chr7:83,155,151, G>A on the plus strand (C>T on the coding strand, the complement: PCLO is on the minus strand). VCF-style: chr7-83155151-G-A. GRCh37 (hg19) VCF-style: chr7-82784467-G-A.
Other names: c.1490C>T, p.Ala497Val (NM_014510.3); short protein forms A497V.
Identifiers: ClinVar variation 1434483 (VCV001434483.6), dbSNP rs1270435100, ClinGen allele CA367914060.